The following is an entry in ClinVar:

ClinVar aggregate classification (germline): Likely benign. Review status: criteria provided, multiple submitters, no conflicts (2 of 4 stars). 4 submissions from 4 submitters: Likely benign (4). Last evaluated 2025-12-24.

Conditions:
Hereditary cancer-predisposing syndrome. Also called: Hereditary neoplastic syndrome; Tumor predisposition; Neoplastic Syndromes, Hereditary; Hereditary Cancer Syndrome. Identifiers: Orphanet 140162, MedGen C0027672, MeSH D009386, MONDO:0015356.
Peutz-Jeghers syndrome (PJS). Also called: Peutz-Jeghers polyposis; Periorificial lentiginosis syndrome; POLYPOSIS, HAMARTOMATOUS INTESTINAL; POLYPS-AND-SPOTS SYNDROME. Identifiers: Orphanet 2869, MedGen C0031269, MeSH D010580, MONDO:0008280, OMIM 175200.

Allele frequency attached by ClinVar (database versions not stated): TOPMed below 0.00001; gnomAD exomes 0.00001.

Submissions (4):

Labcorp Genetics (formerly Invitae), Labcorp
Classification: Likely benign for Peutz-Jeghers syndrome. Last evaluated: 2025-12-24. Review status: criteria provided, single submitter. Criteria: Invitae Variant Classification Sherloc (09022015). Collection method: clinical testing. Allele origin: germline.

Myriad Genetics, Inc.
Classification: Likely benign for Peutz-Jeghers syndrome. Last evaluated: 2025-03-25. Review status: criteria provided, single submitter. Criteria: Myriad Autosomal Dominant, Autosomal Recessive and X-Linked Classification Criteria (2023). Collection method: clinical testing. Allele origin: unknown.
Comment: This variant is considered likely benign. This variant is intronic and is not expected to impact mRNA splicing.

Color Diagnostics, LLC DBA Color Health
Classification: Likely benign for Hereditary cancer-predisposing syndrome. Last evaluated: 2017-06-14. Review status: criteria provided, single submitter. Criteria: ACMG Guidelines, 2015. Collection method: clinical testing. Allele origin: germline.

GeneDx
Classification: Likely benign. Last evaluated: 2015-10-27. Review status: criteria provided, single submitter. Criteria: GeneDx Variant Classification (06012015). Collection method: clinical testing. Allele origin: germline. Affected: yes.
Comment: This variant is considered likely benign or benign based on one or more of the following criteria: it is a conservative change, it occurs at a poorly conserved position in the protein, it is predicted to be benign by multiple in silico algorithms, and/or has population frequency not consistent with disease.

NM_000455.5(STK11):c.291-14C>T

Gene: STK11 (serine/threonine kinase 11; plus strand). Cytogenetic location: 19p13.3.
Variant type: single nucleotide variant.
Coding change: c.291-14C>T on transcript NM_000455.5 (MANE Select); 14 bases into the intron before coding-DNA position 291, C replaced by T.
Molecular consequence: intron variant.
Genome position (GRCh38, 1-based): chr19:1,218,403, C>T. VCF-style: chr19-1218403-C-T. GRCh37 (hg19) VCF-style: chr19-1218402-C-T.
Identifiers: ClinVar variation 381296 (VCV000381296.13), dbSNP rs1057521012, ClinGen allele CA16608822.